The following is an entry in ClinVar:

ClinVar aggregate classification (germline): Conflicting classifications of pathogenicity. Review status: criteria provided, conflicting classifications (1 of 4 stars). 5 submissions from 3 submitters: Uncertain significance (1); Likely benign (1). 3 of the submissions do not count toward it. Last evaluated 2025-02-11.

Conditions:
HEMOGLOBIN SHELBY.
HEMOGLOBIN LESLIE.
HEMOGLOBIN DEACONESS.

Submissions (5):

ARUP Laboratories, Molecular Genetics and Genomics, ARUP Laboratories
Classification: Likely benign. Last evaluated: 2025-02-11. Review status: criteria provided, single submitter. Criteria: ARUP Molecular Germline Variant Investigation Process 2024. Collection method: clinical testing. Allele origin: germline.
Comment: The Hb Shelby variant (HBB: c.394C>A p.Gln132Lys, also known as Gln131Lys when numbered from the mature protein, rs33910209, HbVar ID: 536) has been reported in the literature in heterozygous individuals with normal hematology and in combination with beta(0)-thalassemia, HbS, or HbC in individuals without significant clinical symptoms (Lutcher 1976, Scuderi 2007, see link to HbVar and references therein). The Hb Shelby variant is absent from the Genome Aggregation Database (v2.1.1), indicating it is not a common polymorphism. Computational analyses predict that this variant is deleterious (REVEL: 0.776). However, based on available information, including its occurrence in asymptomatic individuals, the Hb Shelby variant is considered to be likely benign. References: Link to HbVar database: Lutcher CL et al. Hb Leslie, an unstable hemoglobin due to deletion of glutaminyl residue beta 131 (H9) occurring in association with beta0-thalassemia, HbC, and HbS. Blood. 1976 Jan;47(1):99-112. PMID: 1244915. Scuderi RT et al. Interference with hemoglobin A(1C) determination by the hemoglobin variant Shelby. Am J Clin Pathol. 2007 Sep;128(3):440-4. PMID: 17709318.

Quest Diagnostics Nichols Institute San Juan Capistrano
Classification: Uncertain significance. Last evaluated: 2018-01-03. Review status: criteria provided, single submitter. Criteria: Quest Diagnostics criteria. Collection method: clinical testing. Allele origin: germline.

OMIM
Classification: other for HEMOGLOBIN SHELBY. Last evaluated: 2017-12-12. Review status: no assertion criteria provided. Collection method: literature only. Allele origin: germline. Not counted in ClinVar's aggregate classification.

OMIM
Classification: other for HEMOGLOBIN LESLIE. Last evaluated: 2017-12-12. Review status: no assertion criteria provided. Collection method: literature only. Allele origin: germline. Not counted in ClinVar's aggregate classification.

OMIM
Classification: other for HEMOGLOBIN DEACONESS. Last evaluated: 2017-12-12. Review status: no assertion criteria provided. Collection method: literature only. Allele origin: germline. Not counted in ClinVar's aggregate classification.

Literature cited by the submitters: PubMed 747178 (cited by OMIM); PubMed 7390864 (cited by OMIM); PubMed 6526653 (cited by OMIM); PubMed 1244915 (cited by OMIM); PubMed 1002699 (cited by OMIM); PubMed 8226094 (cited by OMIM).

NM_000518.5(HBB):c.394C>A (p.Gln132Lys)

Genes: HBB (hemoglobin subunit beta; minus strand), LOC107133510 (origin of replication at HBB; plus strand), LOC110006319 (beta-globin gene 3' regulatory region; plus strand). Cytogenetic location: 11p15.4.
Variant type: single nucleotide variant.
Coding change: c.394C>A on transcript NM_000518.5 (MANE Select); coding-DNA position 394, C replaced by A.
Protein change: p.Gln132Lys; replaces glutamine 132 with lysine.
Molecular consequence: missense variant.
Genome position (GRCh38, 1-based): chr11:5,225,648, G>T on the plus strand (C>A on the coding strand, the complement: HBB is on the minus strand). VCF-style: chr11-5225648-G-T. GRCh37 (hg19) VCF-style: chr11-5246878-G-T.
Other names: Q131K; Hb Shelby; short protein forms Q132K.
Identifiers: ClinVar variation 15349 (VCV000015349.12), dbSNP rs33910209, ClinGen allele CA125160.